The following is an entry in ClinVar:

ClinVar aggregate classification (germline): Likely benign. Review status: criteria provided, multiple submitters, no conflicts (2 of 4 stars). 2 submissions from 2 submitters: Likely benign (2). Last evaluated 2023-12-30.

Conditions:
Methylmalonic acidemia with homocystinuria, type cblX (MAHCX). Also called: INTELLECTUAL DEVELOPMENTAL DISORDER, X-LINKED 3. Identifiers: Orphanet 369962, MedGen C0796208, MONDO:0010657, OMIM 309541.

Allele frequency attached by ClinVar (database versions not stated): gnomAD 0.00003 and below 0.00001; TOPMed below 0.00001; gnomAD exomes 0.00004; ExAC 0.00005.
gnomAD v4.1: 45 of 1,211,230 alleles (0.0037%); highest among the groups gnomAD compares: South Asian, 0.074%; no homozygotes.

Submissions (2):

Labcorp Genetics (formerly Invitae), Labcorp
Classification: Likely benign for Methylmalonic acidemia with homocystinuria, type cblX. Last evaluated: 2023-12-30. Review status: criteria provided, single submitter. Criteria: Invitae Variant Classification Sherloc (09022015). Collection method: clinical testing. Allele origin: germline.

GeneDx
Classification: Likely benign. Last evaluated: 2017-10-05. Review status: criteria provided, single submitter. Criteria: GeneDx Variant Classification (06012015). Collection method: clinical testing. Allele origin: germline. Affected: yes.
Comment: This variant is considered likely benign or benign based on one or more of the following criteria: it is a conservative change, it occurs at a poorly conserved position in the protein, it is predicted to be benign by multiple in silico algorithms, and/or has population frequency not consistent with disease.

NM_005334.3(HCFC1):c.2817A>T (p.Thr939=)

Gene: HCFC1 (host cell factor C1; minus strand). Cytogenetic location: Xq28.
Variant type: single nucleotide variant.
Coding change: c.2817A>T on transcript NM_005334.3 (MANE Select); coding-DNA position 2817, A replaced by T.
Protein change: p.Thr939=; no amino-acid change (threonine 939 retained).
Molecular consequence: synonymous variant.
Genome position (GRCh38, 1-based): chrX:153,956,230, T>A on the plus strand (A>T on the coding strand, the complement: HCFC1 is on the minus strand). VCF-style: chrX-153956230-T-A. GRCh37 (hg19) VCF-style: chrX-153221681-T-A.
Identifiers: ClinVar variation 512147 (VCV000512147.10), dbSNP rs782349400, ClinGen allele CA10557279.